The following is an entry in ClinVar:

NM_001002294.3(FMO3):c.1064del (p.Gly355fs)

Gene: FMO3 (flavin containing dimethylaniline monoxygenase 3; plus strand). Cytogenetic location: 1q24.3.
Variant type: Deletion.
Coding change: c.1064del on transcript NM_001002294.3 (MANE Select); coding-DNA position 1064, one base deleted (G; older notation c.1064delG).
Protein change: p.Gly355fs; shifts the reading frame from glycine 355.
Molecular consequence: frameshift variant.
Genome position (GRCh38, 1-based): chr1:171,114,243, G deleted; the last of 2 consecutive G bases (chr1:171,114,242-171,114,243); deleting either gives the same sequence. VCF-style (leftmost placement, unchanged base first): chr1-171114241-AG-A. GRCh37 (hg19) VCF-style: chr1-171083381-AG-A.
Other names: c.1004del, p.Gly335fs (NM_001319173.2); c.875del, p.Gly292fs (NM_001319174.2); c.1064del, p.Gly355fs (NM_006894.6); short protein forms G292fs, G335fs, G355fs.
Identifiers: ClinVar variation 5015350 (VCV005015350.1).
Genomic context (GRCh38, chr1:171,114,241, plus strand): 5'-CTACCCCTTCCTTGATGAGTCTATCATCAAAAGCAGAAACAATGAGATCATTTTATTTAA[AG>A]GAGTATTTCCTCCTCTACTTGAGAAGTCAACCATAGCAGTGATTGGCTTTGTCCAGTCCC-3'

ClinVar aggregate classification (germline): Pathogenic (1 of 4 stars; one submission).

Conditions:
Trimethylaminuria (TMAU). Also called: FISH-ODOR SYNDROME; Fish malodor syndrome; Stale fish syndrome; TMAuria; Primary Trimethylaminuria. Identifiers: MedGen C0342739, MONDO:0011182, OMIM 602079, HP:0003614. Disease mechanism: loss of function.

Submission:

Myriad Genetics, Inc.
Classification: Pathogenic for Trimethylaminuria. Last evaluated: 2025-12-20. Review status: criteria provided, single submitter. Criteria: Myriad Autosomal Dominant, Autosomal Recessive and X-Linked Classification Criteria (2023). Collection method: clinical testing. Allele origin: unknown.
Comment: NM_001002294.2(FMO3):c.1064delG(G355Efs*12) is expected to be pathogenic in the context of primary trimethylaminuria. This variant is predicted to lead to an abnormal or absent protein product due to the creation of a premature termination codon in FMO3, a gene where loss-of-function variants are known to be pathogenic. Please note: this variant was assessed in the context of healthy population screening.